The following is an entry in ClinVar:

ClinVar aggregate classification (germline): Likely benign (0 of 4 stars; one submission).

Conditions:
FREM2-related disorder. Also called: FREM2-related condition.

Allele frequency attached by ClinVar (database versions not stated): gnomAD exomes below 0.00001.
gnomAD v4.1: 1 of 1,613,990 alleles (0.000062%); highest among the groups gnomAD compares: Non-Finnish European, 0.000085%; no homozygotes.

Submission:

PreventionGenetics, part of Exact Sciences
Classification: Likely benign for FREM2-related condition. Last evaluated: 2020-09-29. Review status: no assertion criteria provided. Collection method: clinical testing. Allele origin: germline.
Comment: This variant is classified as likely benign based on ACMG/AMP sequence variant interpretation guidelines (Richards et al. 2015 PMID: 25741868, with internal and published modifications).

NM_207361.6(FREM2):c.5767+5C>G

Gene: FREM2 (FRAS1 related extracellular matrix 2; plus strand). Cytogenetic location: 13q13.3.
Variant type: single nucleotide variant.
Coding change: c.5767+5C>G on transcript NM_207361.6 (MANE Select); 5 bases into the intron after coding-DNA position 5767, C replaced by G.
Molecular consequence: intron variant.
Genome position (GRCh38, 1-based): chr13:38,783,200, C>G. VCF-style: chr13-38783200-C-G. GRCh37 (hg19) VCF-style: chr13-39357337-C-G.
Identifiers: ClinVar variation 3032182 (VCV003032182.2), dbSNP rs2541437902, ClinGen allele CA2622730998.